The following is an entry in ClinVar:

NM_004984.4(KIF5A):c.745C>G (p.Leu249Val)

Gene: KIF5A (kinesin family member 5A; plus strand). Cytogenetic location: 12q13.3.
Variant type: single nucleotide variant.
Coding change: c.745C>G on transcript NM_004984.4 (MANE Select); coding-DNA position 745, C replaced by G.
Protein change: p.Leu249Val; replaces leucine 249 with valine.
Molecular consequence: missense variant.
Genome position (GRCh38, 1-based): chr12:57,568,993, C>G. VCF-style: chr12-57568993-C-G. GRCh37 (hg19) VCF-style: chr12-57962776-C-G.
Other names: c.478C>G, p.Leu160Val (NM_001354705.2); short protein forms L160V, L249V.
Identifiers: ClinVar variation 2735901 (VCV002735901.3), dbSNP rs539166420, ClinGen allele CA385499934.

ClinVar aggregate classification (germline): Pathogenic (1 of 4 stars; one submission).

Conditions:
Spastic paraplegia. Identifiers: MedGen C0037772, HP:0001258.

Submission:

Labcorp Genetics (formerly Invitae), Labcorp
Classification: Pathogenic for Spastic paraplegia. Last evaluated: 2024-01-10. Review status: criteria provided, single submitter. Criteria: Invitae Variant Classification Sherloc (09022015). Collection method: clinical testing. Allele origin: germline.
Comment: This sequence change replaces leucine, which is neutral and non-polar, with valine, which is neutral and non-polar, at codon 249 of the KIF5A protein (p.Leu249Val). This variant is not present in population databases (gnomAD no frequency). This missense change has been observed in individual(s) with Charcot-Marie-Tooth disease and/or hereditary spastic paraplegia (PMID: 26374131; Invitae). In at least one individual the variant was observed to be de novo. Advanced modeling of protein sequence and biophysical properties (such as structural, functional, and spatial information, amino acid conservation, physicochemical variation, residue mobility, and thermodynamic stability) has been performed at Invitae for this missense variant, however the output from this modeling did not meet the statistical confidence thresholds required to predict the impact of this variant on KIF5A protein function. This variant disrupts the p.Leu249 amino acid residue in KIF5A. Other variant(s) that disrupt this residue have been observed in individuals with KIF5A-related conditions (PMID: 26374131, 36139378; Invitae), which suggests that this may be a clinically significant amino acid residue. For these reasons, this variant has been classified as Pathogenic.

Literature cited by the submitters: PubMed 26374131; PubMed 36139378.